The following is an entry in ClinVar:

NM_003072.5(SMARCA4):c.403C>T (p.Pro135Ser)

Gene: SMARCA4 (SWI/SNF related BAF chromatin remodeling complex subunit ATPase 4; plus strand). Cytogenetic location: 19p13.2.
Variant type: single nucleotide variant.
Coding change: c.403C>T on transcript NM_003072.5 (MANE Select); coding-DNA position 403, C replaced by T.
Protein change: p.Pro135Ser; replaces proline 135 with serine.
Molecular consequence: missense variant. On other transcripts: non-coding transcript variant (1).
Genome position (GRCh38, 1-based): chr19:10,986,236, C>T. VCF-style: chr19-10986236-C-T. GRCh37 (hg19) VCF-style: chr19-11096912-C-T.
Other names: c.403C>T, p.Pro135Ser (NM_001128844.3, NM_001128845.2, NM_001128846.2 and 5 more transcripts); short protein forms P135S.
Identifiers: ClinVar variation 1425107 (VCV001425107.9), dbSNP rs150949949, ClinGen allele CA9203499.

ClinVar aggregate classification (germline): Uncertain significance. Review status: criteria provided, multiple submitters, no conflicts (2 of 4 stars). 2 submissions from 2 submitters: Uncertain significance (2). Last evaluated 2025-12-22.

Conditions:
Hereditary cancer-predisposing syndrome. Also called: Neoplastic Syndromes, Hereditary; Tumor predisposition; Hereditary Cancer Syndrome; Hereditary neoplastic syndrome. Identifiers: Orphanet 140162, MedGen C0027672, MeSH D009386, MONDO:0015356.
Rhabdoid tumor predisposition syndrome 2 (RTPS2). Identifiers: Orphanet 231108, Orphanet 69077, MedGen C2750074, MONDO:0013224, OMIM 613325.

gnomAD v4.1: 2 of 1,613,974 alleles (0.00012%); highest among the groups gnomAD compares: Non-Finnish European, 0.00017%; no homozygotes.

Submissions (2):

Ambry Genetics
Classification: Uncertain significance for Hereditary cancer-predisposing syndrome. Last evaluated: 2025-12-22. Review status: criteria provided, single submitter. Criteria: Ambry Variant Classification Scheme 2023. Collection method: clinical testing. Allele origin: germline.
Comment: The p.P135S variant (also known as c.403C>T), located in coding exon 3 of the SMARCA4 gene, results from a C to T substitution at nucleotide position 403. The proline at codon 135 is replaced by serine, an amino acid with similar properties. This amino acid position is well conserved in available vertebrate species. In addition, this alteration is predicted to be tolerated by in silico analysis. Based on the available evidence, the clinical significance of this variant remains unclear.

Labcorp Genetics (formerly Invitae), Labcorp
Classification: Uncertain significance for Rhabdoid tumor predisposition syndrome 2. Last evaluated: 2024-05-01. Review status: criteria provided, single submitter. Criteria: Invitae Variant Classification Sherloc (09022015). Collection method: clinical testing. Allele origin: germline.
Comment: This sequence change replaces proline, which is neutral and non-polar, with serine, which is neutral and polar, at codon 135 of the SMARCA4 protein (p.Pro135Ser). This variant is present in population databases (rs150949949, gnomAD 0.0009%). This variant has not been reported in the literature in individuals affected with SMARCA4-related conditions. ClinVar contains an entry for this variant (Variation ID: 1425107). Advanced modeling of protein sequence and biophysical properties (such as structural, functional, and spatial information, amino acid conservation, physicochemical variation, residue mobility, and thermodynamic stability) performed at Invitae indicates that this missense variant is not expected to disrupt SMARCA4 protein function with a negative predictive value of 95%. In summary, the available evidence is currently insufficient to determine the role of this variant in disease. Therefore, it has been classified as a Variant of Uncertain Significance.